The following is an entry in ClinVar:

ClinVar aggregate classification (germline): Uncertain significance. Review status: criteria provided, multiple submitters, no conflicts (2 of 4 stars). 2 submissions from 2 submitters: Uncertain significance (2). Last evaluated 2025-08-22.

Conditions:
Inborn genetic diseases. Identifiers: MedGen C0950123, MeSH D030342.

Allele frequency attached by ClinVar (database versions not stated): gnomAD 0.00001; gnomAD exomes 0.00001 and 0.00002; TOPMed 0.00002.
gnomAD v4.1: 25 of 1,613,806 alleles (0.0015%); highest among the groups gnomAD compares: Non-Finnish European, 0.0019%; no homozygotes.

Submissions (2):

Ambry Genetics
Classification: Uncertain significance for Inborn genetic diseases. Last evaluated: 2025-08-22. Review status: criteria provided, single submitter. Criteria: Ambry Variant Classification Scheme 2023. Collection method: clinical testing. Allele origin: germline.

Labcorp Genetics (formerly Invitae), Labcorp
Classification: Uncertain significance. Last evaluated: 2024-04-15. Review status: criteria provided, single submitter. Criteria: Invitae Variant Classification Sherloc (09022015). Collection method: clinical testing. Allele origin: germline.
Comment: This sequence change replaces valine, which is neutral and non-polar, with alanine, which is neutral and non-polar, at codon 614 of the COL7A1 protein (p.Val614Ala). This variant is present in population databases (no rsID available, gnomAD 0.003%). This variant has not been reported in the literature in individuals affected with COL7A1-related conditions. ClinVar contains an entry for this variant (Variation ID: 1449748). Advanced modeling of protein sequence and biophysical properties (such as structural, functional, and spatial information, amino acid conservation, physicochemical variation, residue mobility, and thermodynamic stability) performed at Invitae indicates that this missense variant is not expected to disrupt COL7A1 protein function with a negative predictive value of 95%. In summary, the available evidence is currently insufficient to determine the role of this variant in disease. Therefore, it has been classified as a Variant of Uncertain Significance.

NM_000094.4(COL7A1):c.1841T>C (p.Val614Ala)

Gene: COL7A1 (collagen type VII alpha 1 chain; minus strand). Cytogenetic location: 3p21.31.
Variant type: single nucleotide variant.
Coding change: c.1841T>C on transcript NM_000094.4 (MANE Select); coding-DNA position 1841, T replaced by C.
Protein change: p.Val614Ala; replaces valine 614 with alanine.
Molecular consequence: missense variant.
Genome position (GRCh38, 1-based): chr3:48,590,524, A>G on the plus strand (T>C on the coding strand, the complement: COL7A1 is on the minus strand). VCF-style: chr3-48590524-A-G. GRCh37 (hg19) VCF-style: chr3-48627957-A-G.
Other names: c.1841T>C (NM_000094.3); short protein forms V614A.
Identifiers: ClinVar variation 1449748 (VCV001449748.7), dbSNP rs1361271599, ClinGen allele CA352728400.